The following is an entry in ClinVar:

NM_006231.4(POLE):c.1800TGA[3] (p.Asp601dup)

Gene: POLE (DNA polymerase epsilon, catalytic subunit; minus strand). Cytogenetic location: 12q24.33.
Variant type: Microsatellite.
Coding change: c.1800TGA[3] on transcript NM_006231.4 (MANE Select); three copies in a row of the 3-base unit TGA starting at c.1800; the reference has two copies in a row; one copy, 3 bases duplicated.
Protein change: p.Asp601dup; duplicates aspartic acid 601.
Molecular consequence: inframe insertion.
Genome position (GRCh38, 1-based): chr12:132,668,929-132,668,931, TCA duplicated on the plus strand (TGA on the coding strand, the reverse complement: POLE is on the minus strand); duplicating any 3 consecutive bases within chr12:132,668,929-132,668,934 gives the same sequence; the position shown is the placement nearest the transcript's 3' end. VCF-style (leftmost placement, unchanged base first): chr12-132668928-C-CTCA. GRCh37 (hg19) VCF-style: chr12-133245514-C-CTCA.
Identifiers: ClinVar variation 667314 (VCV000667314.4), dbSNP rs1593793500, ClinGen allele CA915946749.
Genomic context (GRCh38, chr12:132,668,928, plus strand): 5'-GATGAGTGGACACTCGATGCGGCTGGGAACGTCCTTCAGGGAGGCAAGCTTGCTCTTAAT[C>CTCA]TCATCACACACCTGCAGAGAAAGCGAAACTCAGTAGAGGCTGGTGACCAAGCTTGCCTCG-3'

ClinVar aggregate classification (germline): Uncertain significance (1 of 4 stars; one submission).

Submission:

Laboratory for Molecular Medicine, Mass General Brigham Personalized Medicine
Classification: Uncertain significance. Last evaluated: 2018-08-14. Review status: criteria provided, single submitter. Criteria: LMM Criteria. Collection method: clinical testing. Allele origin: germline. Observed: 1 variant allele.
Comment: The p.Asp601dup variant in POLE has not been previously reported in individuals with colorectal cancer or in population databases, though the ability of these s tudies to accurately detect indels may be limited. This variant is a duplication an aspartic acid (Asp) residue at position 601 and is not predicted to alter th e protein reading-frame. It is unclear if this insertion will impact the protein . In summary, the clinical significance of the p.Asp601_Glu602insAsp variant is uncertain. ACMG/AMP Criteria applied: PM2, PM4_Supporting.